The following is an entry in ClinVar:

NM_001365951.3(KIF1B):c.88A>G (p.Met30Val)

Genes: KIF1B (kinesin family member 1B; plus strand), LOC129388446 (MPRA-validated peak64 silencer; plus strand). Cytogenetic location: 1p36.22.
Variant type: single nucleotide variant.
Coding change: c.88A>G on transcript NM_001365951.3 (MANE Select); coding-DNA position 88, A replaced by G.
Protein change: p.Met30Val; replaces methionine 30 with valine.
Molecular consequence: missense variant.
Genome position (GRCh38, 1-based): chr1:10,232,416, A>G. VCF-style: chr1-10232416-A-G. GRCh37 (hg19) VCF-style: chr1-10292474-A-G.
Other names: NC_000001.10:g.10292474A>G; c.88A>G, p.Met30Val (NM_001365952.1, NM_001365953.1, NM_015074.3 and 1 more transcripts); short protein forms M30V.
Identifiers: ClinVar variation 4043081 (VCV004043081.2).
Genomic context (GRCh38, chr1:10,232,416, plus strand): 5'-GTCCGGGTAAGGCCCTTCAATTCTCGAGAGACCAGCAAGGAATCCAAATGCATCATTCAG[A>G]TGCAAGGCAACTCGACCAGTGAGTACATGTTGTTTTCTCTCAGCTGTGTATCTTACTTTC-3'
Protein context (NP_001352880.1, residues 20-40): TSKESKCIIQ[Met30Val]QGNSTSIINP

ClinVar aggregate classification (germline): Uncertain significance (1 of 4 stars; one submission).

Submissions (2):

Ambry Genetics
Classification: Uncertain significance. Last evaluated: 2025-03-25. Review status: criteria provided, single submitter. Criteria: Ambry Variant Classification Scheme 2023. Collection method: clinical testing. Allele origin: germline.
Comment: The p.M30V variant (also known as c.88A>G), located in coding exon 1 of the KIF1B gene, results from an A to G substitution at nucleotide position 88. The methionine at codon 30 is replaced by valine, an amino acid with highly similar properties. This amino acid position is conserved. In addition, this alteration is predicted to be deleterious by in silico analysis. Based on the available evidence, the clinical significance of this variant remains unclear.

Dr. Peter K. Rogan Lab, Western University
No classification provided (evidence only). Condition: Lung cancer. Review status: no classification provided. Collection method: in vitro. Allele origin: not applicable. Functional consequence: retained intron. Not counted in ClinVar's aggregate classification.